The following is an entry in ClinVar:

NM_000535.7(PMS2):c.626G>A (p.Gly209Glu)

Gene: PMS2 (PMS1 homolog 2, mismatch repair system component; minus strand). Cytogenetic location: 7p22.1.
Variant type: single nucleotide variant.
Coding change: c.626G>A on transcript NM_000535.7 (MANE Select); coding-DNA position 626, G replaced by A.
Protein change: p.Gly209Glu; replaces glycine 209 with glutamic acid.
Molecular consequence: missense variant. On other transcripts: 5 prime UTR variant (2), non-coding transcript variant (1), intron variant (9).
Genome position (GRCh38, 1-based): chr7:5,999,187, C>T on the plus strand (G>A on the coding strand, the complement: PMS2 is on the minus strand). VCF-style: chr7-5999187-C-T. GRCh37 (hg19) VCF-style: chr7-6038818-C-T.
Other names: c.221G>A, p.Gly74Glu (NM_001322003.2, NM_001322004.2, NM_001322005.2 and 19 more transcripts); c.626G>A, p.Gly209Glu (NM_001322006.2, NM_001322014.2, NM_001406870.1 and 4 more transcripts); c.308G>A, p.Gly103Glu (NM_001322007.2, NM_001322008.2, NM_001406876.1 and 4 more transcripts); c.-308G>A (NM_001322011.2, NM_001322012.2); c.317G>A, p.Gly106Glu (NM_001322015.2, NM_001406875.1, NM_001406877.1 and 6 more transcripts); c.812G>A, p.Gly271Glu (NM_001406866.1); c.650G>A, p.Gly217Glu (NM_001406868.1); c.290G>A, p.Gly97Glu (NM_001406885.1); and 6 more; short protein forms G103E, G217E, G106E, G209E, G271E, G97E, G74E.
Identifiers: ClinVar variation 3421516 (VCV003421516.3).

ClinVar aggregate classification (germline): Uncertain significance. Review status: criteria provided, multiple submitters, no conflicts (2 of 4 stars). 2 submissions from 2 submitters: Uncertain significance (2). Last evaluated 2024-10-11.

Conditions:
Hereditary nonpolyposis colorectal neoplasms. Identifiers: MedGen C0009405, MeSH D003123.
Hereditary cancer-predisposing syndrome. Also called: Neoplastic Syndromes, Hereditary; Tumor predisposition; Hereditary Cancer Syndrome; Hereditary neoplastic syndrome. Identifiers: Orphanet 140162, MedGen C0027672, MeSH D009386, MONDO:0015356.

Submissions (2):

Ambry Genetics
Classification: Uncertain significance for Hereditary cancer-predisposing syndrome. Last evaluated: 2024-10-11. Review status: criteria provided, single submitter. Criteria: Ambry Variant Classification Scheme 2023. Collection method: clinical testing. Allele origin: germline.
Comment: The p.G209E variant (also known as c.626G>A), located in coding exon 6 of the PMS2 gene, results from a G to A substitution at nucleotide position 626. The glycine at codon 209 is replaced by glutamic acid, an amino acid with similar properties. This amino acid position is highly conserved in available vertebrate species. In addition, this alteration is predicted to be deleterious by in silico analysis. Based on the available evidence, the clinical significance of this variant remains unclear.

Labcorp Genetics (formerly Invitae), Labcorp
Classification: Uncertain significance for Hereditary nonpolyposis colorectal neoplasms. Last evaluated: 2024-08-21. Review status: criteria provided, single submitter. Criteria: Invitae Variant Classification Sherloc (09022015). Collection method: clinical testing. Allele origin: germline.
Comment: This sequence change replaces glycine, which is neutral and non-polar, with glutamic acid, which is acidic and polar, at codon 209 of the PMS2 protein (p.Gly209Glu). This variant is not present in population databases (gnomAD no frequency). This variant has not been reported in the literature in individuals affected with PMS2-related conditions. Invitae Evidence Modeling of protein sequence and biophysical properties (such as structural, functional, and spatial information, amino acid conservation, physicochemical variation, residue mobility, and thermodynamic stability) indicates that this missense variant is expected to disrupt PMS2 protein function with a positive predictive value of 80%. In summary, the available evidence is currently insufficient to determine the role of this variant in disease. Therefore, it has been classified as a Variant of Uncertain Significance.